The following is an entry in ClinVar:

NM_001383.6(DPH1):c.652C>T (p.Arg218Ter)

Gene: DPH1 (diphthamide biosynthesis 1; plus strand). Cytogenetic location: 17p13.3.
Variant type: single nucleotide variant.
Coding change: c.652C>T on transcript NM_001383.6 (MANE Select); coding-DNA position 652, C replaced by T.
Protein change: p.Arg218Ter; replaces arginine 218 with a stop codon.
Molecular consequence: nonsense. On other transcripts: non-coding transcript variant (3).
Genome position (GRCh38, 1-based): chr17:2,036,928, C>T. VCF-style: chr17-2036928-C-T. GRCh37 (hg19) VCF-style: chr17-1940222-C-T.
Other names: c.667C>T, p.Arg223Ter (NM_001346574.1); c.634C>T, p.Arg212Ter (NM_001346575.1); c.247C>T, p.Arg83Ter (NM_001346576.2); c.667C>T (NM_001383.4); short protein forms R212*, R218*, R223*, R83*.
Identifiers: ClinVar variation 1324291 (VCV001324291.5), dbSNP rs1185902827, ClinGen allele CA397604227.

ClinVar aggregate classification (germline): Likely pathogenic. Review status: criteria provided, single submitter (1 of 4 stars). 2 submissions from 2 submitters: Likely pathogenic (1). 1 of the submissions does not count toward it. Last evaluated 2019-09-28.

Conditions:
DPH1-related disorder. Also called: DPH1-related condition.
Developmental delay with short stature, dysmorphic facial features, and sparse hair 1. Also called: LOUCKS-INNES SYNDROME. Identifiers: MedGen CN323360, MONDO:0800438, OMIM 616901.

Allele frequency attached by ClinVar (database versions not stated): gnomAD 0.00001; gnomAD exomes 0.00001 and 0.00007; TOPMed 0.00002.

Submissions (2):

Revvity Omics, Revvity
Classification: Likely pathogenic for Developmental delay with short stature, dysmorphic facial features, and sparse hair 1. Last evaluated: 2019-09-28. Review status: criteria provided, single submitter. Criteria: ACMG Guidelines, 2015. Collection method: clinical testing. Allele origin: germline.

PreventionGenetics, part of Exact Sciences
Classification: Likely pathogenic for DPH1-related condition. Last evaluated: 2024-09-26. Review status: no assertion criteria provided. Collection method: clinical testing. Allele origin: germline. Not counted in ClinVar's aggregate classification.
Comment: The DPH1 c.667C>T variant is predicted to result in premature protein termination (p.Arg223*). To our knowledge, this variant has not been reported in the literature. This variant is reported in 0.0029% of alleles in individuals of Latino descent in gnomAD. Nonsense variants in DPH1 are expected to be pathogenic. This variant is interpreted as likely pathogenic.